The following is an entry in ClinVar:

NM_001386393.1(PANK2):c.67A>G (p.Met23Val)

Genes: PANK2 (pantothenate kinase 2; plus strand), LOC130065345 (ATAC-STARR-seq lymphoblastoid silent region 12635; plus strand). Cytogenetic location: 20p13.
Variant type: single nucleotide variant.
Coding change: c.67A>G on transcript NM_001386393.1 (MANE Select); coding-DNA position 67, A replaced by G.
Protein change: p.Met23Val; replaces methionine 23 with valine.
Molecular consequence: missense variant. On other transcripts: 5 prime UTR variant (1), non-coding transcript variant (1), intron variant (1).
Genome position (GRCh38, 1-based): chr20:3,889,497, A>G. VCF-style: chr20-3889497-A-G. GRCh37 (hg19) VCF-style: chr20-3870144-A-G.
Other names: c.-645A>G (NM_001324191.2); c.397A>G, p.Met133Val (NM_001324192.1, NM_153638.4); c.-246+593A>G (NM_024960.6); short protein forms M133V, M23V.
Identifiers: ClinVar variation 1098282 (VCV001098282.3), dbSNP rs2146804825, ClinGen allele CA408140876.

ClinVar aggregate classification (germline): Conflicting classifications of pathogenicity. Review status: criteria provided, conflicting classifications (1 of 4 stars). 2 submissions from 2 submitters: Pathogenic (1); Uncertain significance (1). Last evaluated 2024-03-27.

Conditions:
Pigmentary pallidal degeneration (NBIA1). Also called: Pantothenate Kinase-Associated Neurodegeneration; Neurodegeneration with brain iron accumulation 1; HARP SYNDROME; PKAN NEUROAXONAL DYSTROPHY, JUVENILE-ONSET; Neuroaxonal dystrophy, late infantile; Hallervorden-Spatz disease. Identifiers: Orphanet 157850, MedGen C0018523, MONDO:0009319, OMIM 234200.

gnomAD v4.1: 11 of 1,469,120 alleles (0.00075%); highest among the groups gnomAD compares: Non-Finnish European, 0.0008%; no homozygotes.

Submissions (2):

Women's Health and Genetics/Laboratory Corporation of America, LabCorp
Classification: Uncertain significance. Last evaluated: 2024-03-27. Review status: criteria provided, single submitter. Criteria: LabCorp Variant Classification Summary - May 2015. Collection method: clinical testing. Allele origin: germline.
Comment: Variant summary: PANK2 c.397A>G (p.Met133Val) results in a conservative amino acid change in the encoded protein sequence. Four of five in-silico tools predict a benign effect of the variant on protein function. The variant was absent in 68142 control chromosomes (gnomAD). The available data on variant occurrences in the general population are insufficient to allow any conclusion about variant significance. c.397A>G has been reported in the literature in the compound heterozygous state in at least one individual with clinical features of Pantothenate Kinase-Associated Neurodegeneration (e.g. Zhai_2021). This report does not provide unequivocal conclusions about association of the variant with Pantothenate Kinase-Associated Neurodegeneration. To our knowledge, no experimental evidence demonstrating an impact on protein function has been reported. The following publication has been ascertained in the context of this evaluation (PMID: 34015165). ClinVar contains an entry for this variant (Variation ID: 1098282). Based on the evidence outlined above, the variant was classified as uncertain significance.

Genetics and Prenatal Diagnosis Center, The First Affiliated Hospital of Zhengzhou University
Classification: Pathogenic for Pigmentary pallidal degeneration. Last evaluated: 2021-05-13. Review status: criteria provided, single submitter. Criteria: ACMG Guidelines, 2015. Collection method: clinical testing. Allele origin: germline. Affected: yes.

Literature cited by the submitters: PubMed 34015165 (cited by Women's Health and Genetics/Laboratory Corporation of America, LabCorp); PubMed 28881514 (cited by Genetics and Prenatal Diagnosis Center, The First Affiliated Hospital of Zhengzhou University).